The following is an entry in ClinVar:

NM_001111067.4(ACVR1):c.1264+5G>T

Gene: ACVR1 (activin A receptor type 1; minus strand). Cytogenetic location: 2q24.1.
Variant type: single nucleotide variant.
Coding change: c.1264+5G>T on transcript NM_001111067.4 (MANE Select); 5 bases into the intron after coding-DNA position 1264, G replaced by T.
Molecular consequence: intron variant.
Genome position (GRCh38, 1-based): chr2:157,760,875, C>A on the plus strand (G>T on the coding strand, the complement: ACVR1 is on the minus strand). VCF-style: chr2-157760875-C-A. GRCh37 (hg19) VCF-style: chr2-158617387-C-A.
Other names: c.1264+5G>T (NM_001347665.1, NM_001347664.1, NM_001347666.1 and 3 more transcripts).
Identifiers: ClinVar variation 3721541 (VCV003721541.2).

ClinVar aggregate classification (germline): Uncertain significance (1 of 4 stars; one submission).

Submission:

Labcorp Genetics (formerly Invitae), Labcorp
Classification: Uncertain significance. Last evaluated: 2024-09-26. Review status: criteria provided, single submitter. Criteria: Invitae Variant Classification Sherloc (09022015). Collection method: clinical testing. Allele origin: germline.
Comment: This sequence change falls in intron 9 of the ACVR1 gene. It does not directly change the encoded amino acid sequence of the ACVR1 protein. It affects a nucleotide within the consensus splice site. This variant is not present in population databases (gnomAD no frequency). This variant has not been reported in the literature in individuals affected with ACVR1-related conditions. Variants that disrupt the consensus splice site are a relatively common cause of aberrant splicing (PMID: 17576681, 9536098). Algorithms developed to predict the effect of sequence changes on RNA splicing suggest that this variant may disrupt the consensus splice site. In summary, the available evidence is currently insufficient to determine the role of this variant in disease. Therefore, it has been classified as a Variant of Uncertain Significance.

Literature cited by the submitters: PubMed 17576681; PubMed 9536098.